The following is an entry in ClinVar:

ClinVar aggregate classification (germline): Uncertain significance (1 of 4 stars; one submission).

Conditions:
Arrhythmogenic cardiomyopathy with wooly hair and keratoderma. Also called: Dilated cardiomyopathy with woolly hair and keratoderma; PALMOPLANTAR KERATODERMA WITH LEFT VENTRICULAR CARDIOMYOPATHY AND WOOLLY HAIR; Carvajal syndrome; Arrhythmogenic cardiomyopathy with woolly hair and keratoderma. Identifiers: Orphanet 65282, MedGen C1854063, MONDO:0011581, OMIM 605676.
Arrhythmogenic right ventricular dysplasia 8 (ARVD8). Also called: Arrhythmogenic Right Ventricular Dysplasia/Cardiomyopathy 8; ARRHYTHMOGENIC RIGHT VENTRICULAR DYSPLASIA, FAMILIAL, 8; ARRHYTHMOGENIC RIGHT VENTRICULAR CARDIOMYOPATHY 8. Identifiers: MedGen C1843896, MONDO:0011831, OMIM 607450.

gnomAD v4.1: 1 of 1,614,028 alleles (0.000062%); highest among the groups gnomAD compares: Non-Finnish European, 0.000085%; no homozygotes.

Submission:

Labcorp Genetics (formerly Invitae), Labcorp
Classification: Uncertain significance for Arrhythmogenic cardiomyopathy with wooly hair and keratoderma; Arrhythmogenic right ventricular dysplasia 8. Last evaluated: 2023-10-16. Review status: criteria provided, single submitter. Criteria: Invitae Variant Classification Sherloc (09022015). Collection method: clinical testing. Allele origin: germline.
Comment: This sequence change replaces isoleucine, which is neutral and non-polar, with leucine, which is neutral and non-polar, at codon 156 of the DSP protein (p.Ile156Leu). This variant is present in population databases (rs774706853, gnomAD 0.0009%). This variant has not been reported in the literature in individuals affected with DSP-related conditions. An algorithm developed to predict the effect of missense changes on protein structure and function (PolyPhen-2) suggests that this variant is likely to be tolerated. In summary, the available evidence is currently insufficient to determine the role of this variant in disease. Therefore, it has been classified as a Variant of Uncertain Significance.

NM_004415.4(DSP):c.466A>C (p.Ile156Leu)

Gene: DSP (desmoplakin; plus strand). Cytogenetic location: 6p24.3.
Variant type: single nucleotide variant.
Coding change: c.466A>C on transcript NM_004415.4 (MANE Select); coding-DNA position 466, A replaced by C.
Protein change: p.Ile156Leu; replaces isoleucine 156 with leucine.
Molecular consequence: missense variant.
Genome position (GRCh38, 1-based): chr6:7,559,269, A>C. VCF-style: chr6-7559269-A-C. GRCh37 (hg19) VCF-style: chr6-7559502-A-C.
Other names: c.466A>C, p.Ile156Leu (NM_001008844.3, NM_001319034.2, NM_001406591.1); short protein forms I156L.
Identifiers: ClinVar variation 2946348 (VCV002946348.3), dbSNP rs774706853, ClinGen allele CA042363.